The following is an entry in ClinVar:

NM_032888.4(COL27A1):c.2516T>C (p.Met839Thr)

Gene: COL27A1 (collagen type XXVII alpha 1 chain; plus strand). Cytogenetic location: 9q32.
Variant type: single nucleotide variant.
Coding change: c.2516T>C on transcript NM_032888.4 (MANE Select); coding-DNA position 2516, T replaced by C.
Protein change: p.Met839Thr; replaces methionine 839 with threonine.
Molecular consequence: missense variant.
Genome position (GRCh38, 1-based): chr9:114,231,128, T>C. VCF-style: chr9-114231128-T-C. GRCh37 (hg19) VCF-style: chr9-116993408-T-C.
Other names: short protein forms M839T.
Identifiers: ClinVar variation 2060839 (VCV002060839.1), dbSNP rs140807782, ClinGen allele CA5201912.

ClinVar aggregate classification (germline): Uncertain significance (1 of 4 stars; one submission).

Allele frequency attached by ClinVar (database versions not stated): TOPMed 0.00002; ExAC 0.00003; gnomAD 0.00003; ESP Exome Variant Server 0.00008.
gnomAD v4.1: 37 of 1,613,266 alleles (0.0023%); highest among the groups gnomAD compares: Admixed American, 0.01%; no homozygotes.

Submission:

Labcorp Genetics (formerly Invitae), Labcorp
Classification: Uncertain significance. Last evaluated: 2022-06-28. Review status: criteria provided, single submitter. Criteria: Invitae Variant Classification Sherloc (09022015). Collection method: clinical testing. Allele origin: germline.
Comment: This sequence change replaces methionine, which is neutral and non-polar, with threonine, which is neutral and polar, at codon 839 of the COL27A1 protein (p.Met839Thr). This variant is present in population databases (rs140807782, gnomAD 0.04%). This variant has not been reported in the literature in individuals affected with COL27A1-related conditions. Advanced modeling of protein sequence and biophysical properties (such as structural, functional, and spatial information, amino acid conservation, physicochemical variation, residue mobility, and thermodynamic stability) performed at Invitae indicates that this missense variant is not expected to disrupt COL27A1 protein function. In summary, the available evidence is currently insufficient to determine the role of this variant in disease. Therefore, it has been classified as a Variant of Uncertain Significance.